The following is an entry in ClinVar:

NM_198578.4(LRRK2):c.4911A>G (p.Lys1637=)

Gene: LRRK2 (leucine rich repeat kinase 2; plus strand). Cytogenetic location: 12q12.
Variant type: single nucleotide variant.
Coding change: c.4911A>G on transcript NM_198578.4 (MANE Select); coding-DNA position 4911, A replaced by G.
Protein change: p.Lys1637=; no amino-acid change (lysine 1637 retained).
Molecular consequence: synonymous variant.
Genome position (GRCh38, 1-based): chr12:40,320,071, A>G. VCF-style: chr12-40320071-A-G. GRCh37 (hg19) VCF-style: chr12-40713873-A-G.
Other names: p.Lys1637=.
Identifiers: ClinVar variation 39199 (VCV000039199.26), dbSNP rs11176013, ClinGen allele CA343608.
Genomic context (GRCh38, chr12:40,320,071, plus strand): 5'-TTGTCCAAAACACCCTAAGGGCATTATTTCGCGTAGAGATGTGGAAAAATTTCTTTCAAA[A>G]AAAAGGAAATTTCCAAAGAACTACATGTCACAGTATTTTAAGCTCCTAGAAAAATTCCAG-3'
Protein context (NP_940980.4, residues 1627-1647): SRRDVEKFLS[Lys1637=]KRKFPKNYMS

ClinVar aggregate classification (germline): Benign. Review status: criteria provided, multiple submitters, no conflicts (2 of 4 stars). 10 submissions from 10 submitters: Benign (6). 4 of the submissions do not count toward it. Last evaluated 2026-02-04.

Conditions:
Autosomal dominant Parkinson disease 8. Also called: LRRK2-Related Parkinson Disease; Parkinson disease 8; Parkinson disease 8, susceptibility to. Identifiers: Orphanet 411602, MedGen C1846862, MONDO:0011764, OMIM 607060.

Allele frequency attached by ClinVar (database versions not stated): ESP Exome Variant Server 0.55173; gnomAD exomes 0.55637 and 0.57625; gnomAD 0.56443 and 0.56784; TOPMed 0.57058; ExAC 0.57337; 1000 Genomes Project 30x 0.58245; 1000 Genomes Project 0.58566.
gnomAD v4.1: 896,920 of 1,608,610 alleles (56%); highest among the groups gnomAD compares: South Asian, 69%; 252,397 homozygotes.

Submissions (10):

Labcorp Genetics (formerly Invitae), Labcorp
Classification: Benign for Autosomal dominant Parkinson disease 8. Last evaluated: 2026-02-04. Review status: criteria provided, single submitter. Criteria: Invitae Variant Classification Sherloc (09022015). Collection method: clinical testing. Allele origin: germline.

Blueprint Genetics
Classification: Benign. Last evaluated: 2024-11-27. Review status: criteria provided, single submitter. Criteria: ACMG Guidelines, 2015. Collection method: clinical testing. Allele origin: germline.

Mayo Clinic Laboratories, Mayo Clinic
Classification: Benign. Last evaluated: 2022-03-24. Review status: criteria provided, single submitter. Criteria: ACMG Guidelines, 2015. Collection method: clinical testing. Allele origin: germline. Observed: 521 variant alleles.

GeneDx
Classification: Benign. Last evaluated: 2018-07-05. Review status: criteria provided, single submitter. Criteria: GeneDx Variant Classification Process June 2021. Collection method: clinical testing. Allele origin: germline. Affected: yes.

Illumina Laboratory Services, Illumina
Classification: Benign for Autosomal dominant Parkinson disease 8. Last evaluated: 2018-01-13. Review status: criteria provided, single submitter. Criteria: ICSL Variant Classification Criteria 13 December 2019. Collection method: clinical testing. Allele origin: germline.
Comment: This variant was observed in the ICSL laboratory as part of a predisposition screen in an ostensibly healthy population. It had not been previously curated by ICSL or reported in the Human Gene Mutation Database (HGMD: prior to June 1st, 2018), and was therefore a candidate for classification through an automated scoring system. Utilizing variant allele frequency, disease prevalence and penetrance estimates, and inheritance mode, an automated score was calculated to assess if this variant is too frequent to cause the disease. Based on the score and internal cut-off values, a variant classified as benign is not then subjected to further curation. The score for this variant resulted in a classification of benign for this disease.

Breakthrough Genomics
Classification: Benign. Review status: criteria provided, single submitter. Criteria: ACMG Guidelines, 2015. Collection method: not provided. Allele origin: germline. Inheritance: Autosomal dominant inheritance. Affected: yes.

Diagnostic Laboratory, Department of Genetics, University Medical Center Groningen
Classification: Benign. Review status: no assertion criteria provided. Collection method: clinical testing. Allele origin: germline. Affected: yes. Study: VKGL Data-share Consensus. Not counted in ClinVar's aggregate classification.

GeneReviews
No classification provided. Condition: Autosomal dominant Parkinson disease 8. Review status: no classification provided. Collection method: literature only. Allele origin: unknown. Not counted in ClinVar's aggregate classification.

Genome Diagnostics Laboratory, Amsterdam University Medical Center
Classification: Benign. Review status: no assertion criteria provided. Collection method: clinical testing. Allele origin: germline. Affected: yes. Study: VKGL Data-share Consensus. Not counted in ClinVar's aggregate classification.

Joint Genome Diagnostic Labs from Nijmegen and Maastricht, Radboudumc and MUMC+
Classification: Benign. Review status: no assertion criteria provided. Collection method: clinical testing. Allele origin: germline. Affected: yes. Study: VKGL Data-share Consensus. Not counted in ClinVar's aggregate classification.

Literature cited by the submitters: PubMed 20301387 (cited by GeneReviews); NCBI Bookshelf NBK1208 (cited by GeneReviews).